The following is an entry in ClinVar:

ClinVar aggregate classification (germline): Pathogenic (0 of 4 stars; one submission).

Conditions:
Pyruvate dehydrogenase E1-alpha deficiency (PDHAD). Also called: ATAXIA, INTERMITTENT, WITH PYRUVATE DEHYDROGENASE DEFICIENCY; ATAXIA WITH LACTIC ACIDOSIS I; ATAXIA, INTERMITTENT, WITH ABNORMAL PYRUVATE METABOLISM; Ataxia, intermittent, with pyruvate dehydrogenase, or decarboxylase, deficiency. Identifiers: Orphanet 79243, MedGen C1839413, MONDO:0010717, OMIM 312170.

Submission:

PDHA1 Study Group, University Children’s Hospital, Paracelsus Medical University
Classification: Pathogenic for Pyruvate dehydrogenase E1-alpha deficiency. Last evaluated: 2024-10-15. Review status: no assertion criteria provided. Collection method: research. Allele origin: de novo. Affected: yes. Observed: 1 variant allele.
Comment: The NM_000284.3:c.1062_1124dup (p.Pro374_Phe375insLeuAlaAspProGluProProLeuGluGluLeuGlyTyrHisIleTyrSerSerAspProPro) change is a deletion-insertion (delins) variant in PDHA1 gene. Among them, 1 case had confirmed de novo occurrence. Last literature search: July 12, 2024. This variant is absent or extremely rare in population-based cohorts in the Genome Aggregation Database (gnomAD). Individuals harboring this variant presented with clinical features compatible with PDHA1-related PDHc deficiency. In summary, this variant meets criteria to be classified as pathogenic (P) for PDHA1-related PDHc deficiency based on the ACMG/AMP criteria applied: PS2, PM1, PM2, PM4, PM7 (last assessment October 15, 2024).

Literature cited by the submitters: DOI 10.1093/brain/awaf430.

NM_000284.4(PDHA1):c.1062_1124dup (p.Pro374_Phe375insLeuAlaAspProGluProProLeuGluGluLeuGlyTyrHisIleTyrSerSerAspProPro)

Gene: PDHA1 (pyruvate dehydrogenase E1 subunit alpha 1; plus strand). Cytogenetic location: Xp22.12.
Variant type: Duplication.
Coding change: c.1062_1124dup on transcript NM_000284.4 (MANE Select); coding-DNA positions 1062 to 1124, 63 bases duplicated.
Protein change: p.Pro374_Phe375insLeuAlaAspProGluProProLeuGluGluLeuGlyTyrHisIleTyrSerSerAspProPro.
Molecular consequence: inframe insertion.
Genome position (GRCh38, 1-based): chrX:19,359,542-19,359,604, 63 bases duplicated. GRCh37 (hg19): chrX:19,377,660-19,377,722.
Other names: c.1176_1238dup, p.Pro412_Phe413insLeuAlaAspProGluProProLeuGluGluLeuGlyTyrHisIleTyrSerSerAspProPro (NM_001173454.2); c.1083_1145dup, p.Pro381_Phe382insLeuAlaAspProGluProProLeuGluGluLeuGlyTyrHisIleTyrSerSerAspProPro (NM_001173455.2); c.969_1031dup, p.Pro343_Phe344insLeuAlaAspProGluProProLeuGluGluLeuGlyTyrHisIleTyrSerSerAspProPro (NM_001173456.2).
Identifiers: ClinVar variation 4070436 (VCV004070436.1).